The following is an entry in ClinVar:

ClinVar aggregate classification (germline): Uncertain significance (1 of 4 stars; one submission).

Conditions:
BAP1-related tumor predisposition syndrome (TPDS1). Also called: BAP1 tumor predisposition syndrome; Tumor susceptibility linked to germline BAP1 mutations; COMMON Syndrome; TUMOR PREDISPOSITION SYNDROME 1. Identifiers: Orphanet 289539, MedGen C3280492, MONDO:0013692, OMIM 614327.

Submission:

Labcorp Genetics (formerly Invitae), Labcorp
Classification: Uncertain significance for BAP1-related tumor predisposition syndrome. Last evaluated: 2024-07-18. Review status: criteria provided, single submitter. Criteria: Invitae Variant Classification Sherloc (09022015). Collection method: clinical testing. Allele origin: germline.
Comment: This sequence change replaces glycine, which is neutral and non-polar, with valine, which is neutral and non-polar, at codon 26 of the BAP1 protein (p.Gly26Val). This variant is not present in population databases (gnomAD no frequency). This variant has not been reported in the literature in individuals affected with BAP1-related conditions. Advanced modeling of protein sequence and biophysical properties (such as structural, functional, and spatial information, amino acid conservation, physicochemical variation, residue mobility, and thermodynamic stability) has been performed at Invitae for this missense variant, however the output from this modeling did not meet the statistical confidence thresholds required to predict the impact of this variant on BAP1 protein function. In summary, the available evidence is currently insufficient to determine the role of this variant in disease. Therefore, it has been classified as a Variant of Uncertain Significance.

NM_004656.4(BAP1):c.77G>T (p.Gly26Val)

Gene: BAP1 (BRCA1 associated deubiquitinase 1; minus strand). Cytogenetic location: 3p21.1.
Variant type: single nucleotide variant.
Coding change: c.77G>T on transcript NM_004656.4 (MANE Select); coding-DNA position 77, G replaced by T.
Protein change: p.Gly26Val; replaces glycine 26 with valine.
Molecular consequence: missense variant.
Genome position (GRCh38, 1-based): chr3:52,409,599, C>A on the plus strand (G>T on the coding strand, the complement: BAP1 is on the minus strand). VCF-style: chr3-52409599-C-A. GRCh37 (hg19) VCF-style: chr3-52443615-C-A.
Other names: c.77G>T, p.Gly26Val (NM_001410772.1); short protein forms G26V.
Identifiers: ClinVar variation 3659837 (VCV003659837.2).